The following is an entry in ClinVar:

NM_000744.7(CHRNA4):c.174C>G (p.Ile58Met)

Gene: CHRNA4 (cholinergic receptor nicotinic alpha 4 subunit; minus strand). Cytogenetic location: 20q13.33.
Variant type: single nucleotide variant.
Coding change: c.174C>G on transcript NM_000744.7 (MANE Select); coding-DNA position 174, C replaced by G.
Protein change: p.Ile58Met; replaces isoleucine 58 with methionine.
Molecular consequence: missense variant. On other transcripts: 5 prime UTR variant (1), non-coding transcript variant (1).
Genome position (GRCh38, 1-based): chr20:63,359,602, G>C on the plus strand (C>G on the coding strand, the complement: CHRNA4 is on the minus strand). VCF-style: chr20-63359602-G-C. GRCh37 (hg19) VCF-style: chr20-61990954-G-C.
Other names: c.-373C>G (NM_001256573.2); short protein forms I58M.
Identifiers: ClinVar variation 1038483 (VCV001038483.8), dbSNP rs2068772907, ClinGen allele CA409643419.

ClinVar aggregate classification (germline): Uncertain significance (1 of 4 stars; one submission).

Conditions:
Familial sleep-related hypermotor epilepsy. Also called: Autosomal Dominant Sleep-Related Hypermotor (Hyperkinetic) Epilepsy. Identifiers: Orphanet 98784, MedGen C3696898, MONDO:0000030.

Submission:

Labcorp Genetics (formerly Invitae), Labcorp
Classification: Uncertain significance. Last evaluated: 2025-04-07. Review status: criteria provided, single submitter. Criteria: Invitae Variant Classification Sherloc (09022015). Collection method: clinical testing. Allele origin: germline.
Comment: This sequence change replaces isoleucine, which is neutral and non-polar, with methionine, which is neutral and non-polar, at codon 58 of the CHRNA4 protein (p.Ile58Met). This variant is not present in population databases (gnomAD no frequency). This variant has not been reported in the literature in individuals affected with CHRNA4-related conditions. ClinVar contains an entry for this variant (Variation ID: 1038483). Invitae Evidence Modeling of protein sequence and biophysical properties (such as structural, functional, and spatial information, amino acid conservation, physicochemical variation, residue mobility, and thermodynamic stability) indicates that this missense variant is not expected to disrupt CHRNA4 protein function with a negative predictive value of 80%. In summary, the available evidence is currently insufficient to determine the role of this variant in disease. Therefore, it has been classified as a Variant of Uncertain Significance.